The following is an entry in ClinVar:

ClinVar aggregate classification (germline): Uncertain significance (1 of 4 stars; one submission).

Allele frequency attached by ClinVar (database versions not stated): gnomAD 0.00001; TOPMed 0.00001; ExAC 0.00002.
gnomAD v4.1: 25 of 1,613,784 alleles (0.0015%); highest among the groups gnomAD compares: East Asian, 0.011%; no homozygotes.

Submission:

Labcorp Genetics (formerly Invitae), Labcorp
Classification: Uncertain significance. Last evaluated: 2022-10-24. Review status: criteria provided, single submitter. Criteria: Invitae Variant Classification Sherloc (09022015). Collection method: clinical testing. Allele origin: germline.
Comment: In summary, the available evidence is currently insufficient to determine the role of this variant in disease. Therefore, it has been classified as a Variant of Uncertain Significance. Algorithms developed to predict the effect of missense changes on protein structure and function are either unavailable or do not agree on the potential impact of this missense change (SIFT: "Deleterious"; PolyPhen-2: "Benign"; Align-GVGD: "Class C0"). This variant has not been reported in the literature in individuals affected with MPDZ-related conditions. This variant is present in population databases (rs759372346, gnomAD 0.004%). This sequence change replaces threonine, which is neutral and polar, with isoleucine, which is neutral and non-polar, at codon 1723 of the MPDZ protein (p.Thr1723Ile).

NM_001378778.1(MPDZ):c.5168C>T (p.Thr1723Ile)

Gene: MPDZ (multiple PDZ domain crumbs cell polarity complex component; minus strand). Cytogenetic location: 9p23.
Variant type: single nucleotide variant.
Coding change: c.5168C>T on transcript NM_001378778.1 (MANE Select); coding-DNA position 5168, C replaced by T.
Protein change: p.Thr1723Ile; replaces threonine 1723 with isoleucine.
Molecular consequence: missense variant.
Genome position (GRCh38, 1-based): chr9:13,121,802, G>A on the plus strand (C>T on the coding strand, the complement: MPDZ is on the minus strand). VCF-style: chr9-13121802-G-A. GRCh37 (hg19) VCF-style: chr9-13121801-G-A.
Other names: c.5069C>T, p.Thr1690Ile (NM_001261406.2, NM_001261407.2, NM_001375416.1 and 3 more transcripts); c.5168C>T, p.Thr1723Ile (NM_001330637.2, NM_003829.5); c.5267C>T, p.Thr1756Ile (NM_001375413.1); c.4958C>T, p.Thr1653Ile (NM_001375420.1, NM_001375421.1, NM_001375422.1 and 4 more transcripts); c.4760C>T, p.Thr1587Ile (NM_001375427.1); short protein forms T1723I, T1587I, T1653I, T1690I, T1756I.
Identifiers: ClinVar variation 2193192 (VCV002193192.2), dbSNP rs759372346, ClinGen allele CA4986412.
Genomic context (GRCh38, chr9:13,121,802, plus strand): 5'-TTACCAACAATACTTAATCCTAGGCCTTTTCCCGGCTTCTTCTGCAGCTCAATAGTGAGG[G>A]TGTCACACACTTCCTCCTCTTTGTATGGGGCCTCATCTCTGTAGAGTGTCAGGCGCACTC-3'
Protein context (NP_001365707.1, residues 1713-1733): APYKEEEVCD[Thr1723Ile]LTIELQKKPG